The following is an entry in ClinVar:

ClinVar aggregate classification (germline): Uncertain significance (1 of 4 stars; one submission).

gnomAD v4.1: 3 of 1,614,238 alleles (0.00019%); highest among the groups gnomAD compares: Admixed American, 0.0033%; no homozygotes.

Submission:

Labcorp Genetics (formerly Invitae), Labcorp
Classification: Uncertain significance. Last evaluated: 2024-09-03. Review status: criteria provided, single submitter. Criteria: Invitae Variant Classification Sherloc (09022015). Collection method: clinical testing. Allele origin: germline.
Comment: This sequence change replaces leucine, which is neutral and non-polar, with arginine, which is basic and polar, at codon 1048 of the ARHGEF10 protein (p.Leu1048Arg). This variant is present in population databases (rs745842941, gnomAD 0.006%). This variant has not been reported in the literature in individuals affected with ARHGEF10-related conditions. Invitae Evidence Modeling of protein sequence and biophysical properties (such as structural, functional, and spatial information, amino acid conservation, physicochemical variation, residue mobility, and thermodynamic stability) indicates that this missense variant is expected to disrupt ARHGEF10 protein function with a positive predictive value of 80%. In summary, the available evidence is currently insufficient to determine the role of this variant in disease. Therefore, it has been classified as a Variant of Uncertain Significance.

NM_014629.4(ARHGEF10):c.3143T>G (p.Leu1048Arg)

Gene: ARHGEF10 (Rho guanine nucleotide exchange factor 10; plus strand). Cytogenetic location: 8p23.3.
Variant type: single nucleotide variant.
Coding change: c.3143T>G on transcript NM_014629.4 (MANE Select); coding-DNA position 3143, T replaced by G.
Protein change: p.Leu1048Arg; replaces leucine 1048 with arginine.
Molecular consequence: missense variant.
Genome position (GRCh38, 1-based): chr8:1,933,863, T>G. VCF-style: chr8-1933863-T-G. GRCh37 (hg19) VCF-style: chr8-1882029-T-G.
Other names: c.3029T>G, p.Leu1010Arg (NM_001308152.2); c.3143T>G, p.Leu1048Arg (NM_001308153.3); short protein forms L1048R, L1072R, L1010R.
Identifiers: ClinVar variation 3670430 (VCV003670430.2).
Genomic context (GRCh38, chr8:1,933,863, plus strand): 5'-GATCCTGGGATTCAGAACCTCAAAAAGTGATCAAGTTAGGCGTCCTACCAGTTAGAAGTC[T>G]ACTCATGATGGAAGACACGTTGTGGGCGGCTTCCGGAGGTCAAGTCTTCATCATCAGTGT-3'
Protein context (NP_055444.2, residues 1038-1058): IKLGVLPVRS[Leu1048Arg]LMMEDTLWAA